The following is an entry in ClinVar:

ClinVar aggregate classification (germline): Conflicting classifications of pathogenicity. Review status: criteria provided, conflicting classifications (1 of 4 stars). 3 submissions from 3 submitters: Uncertain significance (1); Likely benign (2). Last evaluated 2025-03-19.

Conditions:
Inborn genetic diseases. Identifiers: MedGen C0950123, MeSH D030342.
RAI1-related disorder. Also called: RAI1-related condition.

Allele frequency attached by ClinVar (database versions not stated): gnomAD 0.00001; gnomAD exomes 0.00001 and 0.00002; ExAC 0.00003.
gnomAD v4.1: 14 of 1,613,798 alleles (0.00087%); highest among the groups gnomAD compares: South Asian, 0.014%; no homozygotes.

Submissions (3):

PreventionGenetics, part of Exact Sciences
Classification: Uncertain significance for RAI1-related condition. Last evaluated: 2025-03-19. Review status: criteria provided, single submitter. Criteria: ACMG Guidelines, 2015. Collection method: clinical testing. Allele origin: germline.
Comment: The RAI1 c.2282A>C variant is predicted to result in the amino acid substitution p.His761Pro. To our knowledge, this variant has not been reported in the literature. This variant is reported in 0.020% of alleles in individuals of South Asian descent in gnomAD, which is likely too common to be a primary cause of disease. Although we suspect that this variant may be benign, at this time, the clinical significance of this variant is uncertain due to the absence of conclusive functional and genetic evidence.

Ambry Genetics
Classification: Likely benign for Inborn genetic diseases. Last evaluated: 2024-04-09. Review status: criteria provided, single submitter. Criteria: Ambry Variant Classification Scheme 2023. Collection method: clinical testing. Allele origin: germline.

Labcorp Genetics (formerly Invitae), Labcorp
Classification: Likely benign. Last evaluated: 2024-01-02. Review status: criteria provided, single submitter. Criteria: Invitae Variant Classification Sherloc (09022015). Collection method: clinical testing. Allele origin: germline.

NM_030665.4(RAI1):c.2282A>C (p.His761Pro)

Gene: RAI1 (retinoic acid induced 1; plus strand). Cytogenetic location: 17p11.2.
Variant type: single nucleotide variant.
Coding change: c.2282A>C on transcript NM_030665.4 (MANE Select); coding-DNA position 2282, A replaced by C.
Protein change: p.His761Pro; replaces histidine 761 with proline.
Molecular consequence: missense variant.
Genome position (GRCh38, 1-based): chr17:17,795,230, A>C. VCF-style: chr17-17795230-A-C. GRCh37 (hg19) VCF-style: chr17-17698544-A-C.
Other names: c.2282A>C (NM_030665.3); short protein forms H761P.
Identifiers: ClinVar variation 1492478 (VCV001492478.8), dbSNP rs763693322, ClinGen allele CA8418500.